The following is an entry in ClinVar:

NM_001267550.2(TTN):c.66385C>T (p.Arg22129Cys)

Genes: TTN (titin; minus strand), TTN-AS1 (TTN antisense RNA 1; plus strand). Cytogenetic location: 2q31.2.
Variant type: single nucleotide variant.
Coding change: c.66385C>T on transcript NM_001267550.2 (MANE Select); coding-DNA position 66385, C replaced by T.
Protein change: p.Arg22129Cys; replaces arginine 22129 with cysteine.
Molecular consequence: missense variant.
Genome position (GRCh38, 1-based): chr2:178,581,984, G>A on the plus strand (C>T on the coding strand, the complement: TTN is on the minus strand). VCF-style: chr2-178581984-G-A. GRCh37 (hg19) VCF-style: chr2-179446711-G-A.
Other names: c.61462C>T, p.Arg20488Cys (NM_001256850.1); c.39190C>T, p.Arg13064Cys (NM_003319.4); c.58681C>T, p.Arg19561Cys (NM_133378.4); c.39565C>T, p.Arg13189Cys (NM_133432.3); c.39766C>T, p.Arg13256Cys (NM_133437.4); short protein forms R19561C, R22129C, R20488C, R13064C, R13189C, R13256C.
Identifiers: ClinVar variation 502589 (VCV000502589.10), dbSNP rs763729258, ClinGen allele CA1991535.
Genomic context (GRCh38, chr2:178,581,984, plus strand): 5'-AAGCGGCCTTGGATGCGTCACTGGGTTTGCCTGGTCCAGCTTTATTTATAGCTGTAACAC[G>A]GAACTCATATTCGGTACCTTCTTGAAGACCTGTTGCTTTTAATGTTCTTTCTATAATAGG-3'
Protein context (NP_001254479.2, residues 22119-22139): GLQEGTEYEF[Arg22129Cys]VTAINKAGPG

ClinVar aggregate classification (germline): Conflicting classifications of pathogenicity. Review status: criteria provided, conflicting classifications (1 of 4 stars). 4 submissions from 4 submitters: Uncertain significance (3); Likely benign (1). Last evaluated 2022-05-12.

Conditions:
Cardiovascular phenotype. Identifiers: MedGen CN230736.

Allele frequency attached by ClinVar (database versions not stated): gnomAD below 0.00001 and 0.00003; gnomAD exomes 0.00005 and 0.00011; ExAC 0.00011.
gnomAD v4.1: 79 of 1,613,128 alleles (0.0049%); highest among the groups gnomAD compares: South Asian, 0.075%; 1 homozygote.

Submissions (4):

Revvity Omics, Revvity
Classification: Uncertain significance. Last evaluated: 2022-05-12. Review status: criteria provided, single submitter. Criteria: ACMG Guidelines, 2015. Collection method: clinical testing. Allele origin: germline.

Ambry Genetics
Classification: Uncertain significance for Cardiovascular phenotype. Last evaluated: 2020-01-09. Review status: criteria provided, single submitter. Criteria: Ambry Variant Classification Scheme 2023. Collection method: clinical testing. Allele origin: germline.
Comment: The p.R13064C variant (also known as c.39190C>T), located in coding exon 142 of the TTN gene, results from a C to T substitution at nucleotide position 39190. The arginine at codon 13064 is replaced by cysteine, an amino acid with highly dissimilar properties. This amino acid position is highly conserved in available vertebrate species. In addition, the in silico prediction for this alteration is inconclusive. Since supporting evidence is limited at this time, the clinical significance of this alteration remains unclear.

Eurofins Ntd Llc (ga)
Classification: Uncertain significance. Last evaluated: 2017-06-16. Review status: criteria provided, single submitter. Criteria: EGL Classification Definitions 2015. Collection method: clinical testing. Allele origin: germline. Observed: 1 variant allele, 1 heterozygote.

GeneDx
Classification: Likely benign. Last evaluated: 2017-06-05. Review status: criteria provided, single submitter. Criteria: GeneDx Variant Classification (06012015). Collection method: clinical testing. Allele origin: germline. Affected: yes.
Comment: This variant is considered likely benign or benign based on one or more of the following criteria: it is a conservative change, it occurs at a poorly conserved position in the protein, it is predicted to be benign by multiple in silico algorithms, and/or has population frequency not consistent with disease.